The following is an entry in ClinVar:

ClinVar aggregate classification (germline): Benign. Review status: criteria provided, multiple submitters, no conflicts (2 of 4 stars). 2 submissions from 2 submitters: Benign (2). Last evaluated 2018-01-13.

Conditions:
Osteopetrosis. Identifiers: Orphanet 2781, MedGen C0029454, MONDO:0017198, HP:0011002.

Allele frequency attached by ClinVar (database versions not stated): gnomAD exomes 0.00058; gnomAD 0.00488 and 0.00519; TOPMed 0.00493; 1000 Genomes Project 0.00539; 1000 Genomes Project 30x 0.00593.

Submissions (2):

Illumina Laboratory Services, Illumina
Classification: Benign for Osteopetrosis. Last evaluated: 2018-01-13. Review status: criteria provided, single submitter. Criteria: ICSL Variant Classification Criteria 13 December 2019. Collection method: clinical testing. Allele origin: germline.
Comment: This variant was observed in the ICSL laboratory as part of a predisposition screen in an ostensibly healthy population. It had not been previously curated by ICSL or reported in the Human Gene Mutation Database (HGMD: prior to June 1st, 2018), and was therefore a candidate for classification through an automated scoring system. Utilizing variant allele frequency, disease prevalence and penetrance estimates, and inheritance mode, an automated score was calculated to assess if this variant is too frequent to cause the disease. Based on the score and internal cut-off values, a variant classified as benign is not then subjected to further curation. The score for this variant resulted in a classification of benign for this disease.

Breakthrough Genomics
Classification: Benign. Review status: criteria provided, single submitter. Criteria: ACMG Guidelines, 2015. Collection method: not provided. Allele origin: germline. Inheritance: Autosomal recessive inheritance. Affected: yes.

NM_001287.6(CLCN7):c.*530G>A

Gene: CLCN7 (chloride voltage-gated channel 7; minus strand). Cytogenetic location: 16p13.3.
Variant type: single nucleotide variant.
Coding change: c.*530G>A on transcript NM_001287.6 (MANE Select); 530 bases downstream of the stop codon, G replaced by A.
Molecular consequence: 3 prime UTR variant.
Genome position (GRCh38, 1-based): chr16:1,446,101, C>T on the plus strand (G>A on the coding strand, the complement: CLCN7 is on the minus strand). VCF-style: chr16-1446101-C-T. GRCh37 (hg19) VCF-style: chr16-1496102-C-T.
Other names: c.*530G>A (NM_001114331.3).
Identifiers: ClinVar variation 888484 (VCV000888484.5), dbSNP rs188481235, ClinGen allele CA276666796.